The following is an entry in ClinVar:

ClinVar aggregate classification (germline): Pathogenic. Review status: criteria provided, multiple submitters, no conflicts (2 of 4 stars). 12 submissions from 12 submitters: Pathogenic (8). 4 of the submissions do not count toward it. Last evaluated 2025-12-28.

Conditions:
SLC7A7-related disorder. Also called: SLC7A7-related condition.
Lysinuric protein intolerance (LPI). Identifiers: Orphanet 470, MedGen C0268647, MONDO:0009109, OMIM 222700.

Allele frequency attached by ClinVar (database versions not stated): ExAC 0.00002; TOPMed 0.00001; gnomAD exomes 0.00004.

Submissions (12):

Labcorp Genetics (formerly Invitae), Labcorp
Classification: Pathogenic for Lysinuric protein intolerance. Last evaluated: 2025-12-28. Review status: criteria provided, single submitter. Criteria: Invitae Variant Classification Sherloc (09022015). Collection method: clinical testing. Allele origin: germline.
Comment: This sequence change affects a donor splice site in intron 4 of the SLC7A7 gene. It is expected to disrupt RNA splicing. Variants that disrupt the donor or acceptor splice site typically lead to a loss of protein function (PMID: 16199547), and loss-of-function variants in SLC7A7 are known to be pathogenic (PMID: 10631139, 17764084). This variant is present in population databases (rs386833822, gnomAD 0.05%). Disruption of this splice site has been observed in individuals with lysinuric protein intolerance (PMID: 10631139, 29058386). It has also been observed to segregate with disease in related individuals. This variant is also known as IVS3+1G>A or IVS4+1C>T. ClinVar contains an entry for this variant (Variation ID: 56374). Algorithms developed to predict the effect of sequence changes on RNA splicing suggest that this variant may disrupt the consensus splice site. For these reasons, this variant has been classified as Pathogenic.

Natera, Inc.
Classification: Pathogenic for Lysinuric protein intolerance. Last evaluated: 2025-12-17. Review status: criteria provided, single submitter. Criteria: Natera Variant Classification Schema (03/2026). Collection method: clinical testing. Allele origin: germline.
Comment: The c.625+1G>A variant in SLC7A7 is a canonical splice donor site variant predicted to affect pre-mRNA splicing, which may result in an abnormal transcript and altered protein product. This variant may result in a truncated or dysfunctional protein product. This variant is rare in the general population with a frequency below the threshold expected for the associated phenotype(s). This variant has been observed in one or more individuals affected with the associated recessive disease, as either homozygous or compound heterozygous with a second variant (PMID: 22876067, 28468868, 30961960, 12402335). Additionally, this variant has been observed to segregate in affected family members (PMID: 12402335). Given the available evidence, this variant is classified as Pathogenic.

Fulgent Genetics
Classification: Pathogenic for Lysinuric protein intolerance. Last evaluated: 2024-05-19. Review status: criteria provided, single submitter. Criteria: ACMG Guidelines, 2015. Collection method: clinical testing. Allele origin: germline.

GeneDx
Classification: Pathogenic. Last evaluated: 2023-07-21. Review status: criteria provided, single submitter. Criteria: GeneDx Variant Classification Process June 2021. Collection method: clinical testing. Allele origin: germline. Affected: yes.
Comment: Canonical splice site variant predicted to result in an in-frame loss of the adjacent exon in a gene for which loss of function is a known mechanism of disease; This variant is associated with the following publications: (PMID: 25525159, 31014432, 30630234, 10655553, 31905476, 23542076, 35964089, 37002123, 30961960, 35532875, 34134972, 34136918, 10737982, 29058386, 35669728, 10631139)

PreventionGenetics, part of Exact Sciences
Classification: Pathogenic for SLC7A7-related condition. Last evaluated: 2022-10-19. Review status: criteria provided, single submitter. Criteria: ACMG Guidelines, 2015. Collection method: clinical testing. Allele origin: germline.
Comment: The SLC7A7 c.625+1G>A variant is predicted to disrupt the GT donor site and interfere with normal splicing. This variant (also known as c.911+1G>A) was reported in in the compound heterozygous and homozygous state in patients with Lysinuric protein intolerance. Functional studies also support this variant results in skipping of exon 4 (Dai et al. 2022. PubMed ID: 34134972; Mykkänen et al. 2000. PubMed ID: 10655553; Sperandeo et al. 2008. PubMed ID: 17764084). This variant is reported in 0.043% of alleles in individuals of East Asian descent in gnomAD. Variants that disrupt the consensus splice donor site in SLC7A7 are expected to be pathogenic. This variant is interpreted as pathogenic.

Genome-Nilou Lab
Classification: Pathogenic for Lysinuric protein intolerance. Last evaluated: 2021-11-07. Review status: criteria provided, single submitter. Criteria: ACMG Guidelines, 2015. Collection method: clinical testing. Allele origin: germline. Affected: no.

Revvity Omics, Revvity
Classification: Pathogenic for Lysinuric protein intolerance. Last evaluated: 2021-01-22. Review status: criteria provided, single submitter. Criteria: ACMG Guidelines, 2015. Collection method: clinical testing. Allele origin: germline.

Juno Genomics, Hangzhou Juno Genomics, Inc
Classification: Pathogenic for Lysinuric protein intolerance. Review status: criteria provided, single submitter. Criteria: ACMG Guidelines, 2015. Collection method: clinical testing. Allele origin: germline. Affected: yes.
Comment: Absent from controls (or at extremely low frequency if recessive) in Genome Aggregation Database, Exome Sequencing Project, 1000 Genomes Project, or Exome Aggregation Consortium.;Null variant in a gene where loss of function (LOF) is a known mechanism of disease.;For recessive disorders, detected in trans with a pathogenic variant.;Patient's phenotype or family history is highly specific for a disease with a single genetic etiology.

Department of Reproductive Genetics, International Peace Maternity and Child Health Hospital, Shanghai Jiao Tong University School of Medicine
Classification: Pathogenic for Lysinuric protein intolerance. Last evaluated: 2025-05-01. Review status: no assertion criteria provided. Collection method: clinical testing. Allele origin: inherited. Affected: yes. Not counted in ClinVar's aggregate classification.
Comment: The NM_001126106.4(SLC7A7):c.625+1G>A variant predicting alterations to normal splicing. The variant allele was found at a frequency of 0.0000192 in 1,461,814 control chromosomes in the GnomAD database, with no homozygous occurrence. ClinVar contains an entry for this variant (Variation ID: 56374).All laboratories classified the variant as pathogenic.

OMIM
Classification: Pathogenic for LYSINURIC PROTEIN INTOLERANCE. Last evaluated: 2008-01-01. Review status: no assertion criteria provided. Collection method: literature only. Allele origin: germline. Not counted in ClinVar's aggregate classification.

Department of Traditional Chinese Medicine, Fujian Provincial Hospital
Classification: Pathogenic for Lysinuric protein intolerance. Review status: no assertion criteria provided. Collection method: research. Allele origin: de novo. Inheritance: Autosomal recessive inheritance. Observed: 1 homozygote. Not counted in ClinVar's aggregate classification.

Juha Muilu Group; Institute for Molecular Medicine Finland (FIMM)
Classification: Likely pathogenic for Lysinuric protein intolerance. Review status: no assertion criteria provided. Collection method: not provided. Allele origin: unknown. Not counted in ClinVar's aggregate classification.
Comment: FinDis database variant: This variant was not found or characterized by our laboratory, data were collected from public sources: see reference
ClinVar note: Converted during submission from probable-pathogenic to Likely pathogenic.

Literature cited by the submitters: PubMed 16199547 (cited by Labcorp Genetics (formerly Invitae), Labcorp); PubMed 10631139 (cited by Labcorp Genetics (formerly Invitae), Labcorp); PubMed 17764084 (cited by Labcorp Genetics (formerly Invitae), Labcorp and OMIM); PubMed 29058386 (cited by Labcorp Genetics (formerly Invitae), Labcorp); PubMed 22876067 (cited by Natera, Inc.); PubMed 28468868 (cited by Natera, Inc.); PubMed 30961960 (cited by Natera, Inc.); PubMed 12402335 (cited by Natera, Inc.); PubMed 10737982 (cited by OMIM); PubMed 9829974 (cited by Department of Traditional Chinese Medicine, Fujian Provincial Hospital).

NM_003982.4(SLC7A7):c.625+1G>A

Gene: SLC7A7 (solute carrier family 7 member 7; minus strand). Cytogenetic location: 14q11.2.
Variant type: single nucleotide variant.
Coding change: c.625+1G>A on transcript NM_003982.4 (MANE Select); the canonical splice donor site of the intron after coding-DNA position 625, G replaced by A.
Molecular consequence: splice donor variant.
Genome position (GRCh38, 1-based): chr14:22,779,925, C>T on the plus strand (G>A on the coding strand, the complement: SLC7A7 is on the minus strand). VCF-style: chr14-22779925-C-T. GRCh37 (hg19) VCF-style: chr14-23249134-C-T.
Other names: IVS4DS, G-A, +1; c.625+1G>A (NM_001126106.4, NM_001126105.3).
Identifiers: ClinVar variation 56374 (VCV000056374.34), dbSNP rs386833822, ClinGen allele CA263838.